The following is an entry in ClinVar:

NM_152443.3(RDH12):c.929T>G (p.Leu310Arg)

Genes: RDH12 (retinol dehydrogenase 12; plus strand), ZFYVE26 (zinc finger FYVE-type containing 26; minus strand), GPHN (gephyrin; plus strand). Cytogenetic location: 14q24.1.
Variant type: single nucleotide variant.
Coding change: c.929T>G on transcript NM_152443.3 (MANE Select); coding-DNA position 929, T replaced by G.
Protein change: p.Leu310Arg; replaces leucine 310 with arginine.
Molecular consequence: missense variant.
Genome position (GRCh38, 1-based): chr14:67,733,826, T>G. VCF-style: chr14-67733826-T-G. GRCh37 (hg19) VCF-style: chr14-68200543-T-G.
Other names: short protein forms L310R.
Identifiers: ClinVar variation 1432707 (VCV001432707.5), dbSNP rs991322422, ClinGen allele CA262811793.

ClinVar aggregate classification (germline): Uncertain significance (1 of 4 stars; one submission).

Conditions:
Leber congenital amaurosis 13 (LCA13). Identifiers: MedGen C2675186, MONDO:0012990, OMIM 612712.

Allele frequency attached by ClinVar (database versions not stated): TOPMed below 0.00001.

Submission:

Labcorp Genetics (formerly Invitae), Labcorp
Classification: Uncertain significance for Leber congenital amaurosis 13. Last evaluated: 2022-06-04. Review status: criteria provided, single submitter. Criteria: Invitae Variant Classification Sherloc (09022015). Collection method: clinical testing. Allele origin: germline.
Comment: This sequence change replaces leucine, which is neutral and non-polar, with arginine, which is basic and polar, at codon 310 of the RDH12 protein (p.Leu310Arg). This variant is not present in population databases (gnomAD no frequency). This variant has not been reported in the literature in individuals affected with RDH12-related conditions. ClinVar contains an entry for this variant (Variation ID: 1432707). Algorithms developed to predict the effect of missense changes on protein structure and function (SIFT, PolyPhen-2, Align-GVGD) all suggest that this variant is likely to be disruptive. In summary, the available evidence is currently insufficient to determine the role of this variant in disease. Therefore, it has been classified as a Variant of Uncertain Significance.